The following is an entry in ClinVar:

NM_000396.4(CTSK):c.3G>T (p.Met1Ile)

Gene: CTSK (cathepsin K; minus strand). Cytogenetic location: 1q21.3.
Variant type: single nucleotide variant.
Coding change: c.3G>T on transcript NM_000396.4 (MANE Select); coding-DNA position 3, G replaced by T.
Protein change: p.Met1Ile; changes the start codon (methionine 1).
Molecular consequence: missense variant, initiator codon variant.
Genome position (GRCh38, 1-based): chr1:150,806,803, C>A on the plus strand (G>T on the coding strand, the complement: CTSK is on the minus strand). VCF-style: chr1-150806803-C-A. GRCh37 (hg19) VCF-style: chr1-150779279-C-A.
Other names: short protein forms M1I.
Identifiers: ClinVar variation 371240 (VCV000371240.5), dbSNP rs778368118, ClinGen allele CA16040664.
Genomic context (GRCh38, chr1:150,806,803, plus strand): 5'-TATCTCCTCAGGGTACAGAGCAAAGCTCACCACAGGTAGCAGCAGAACCTTGAGCCCCCA[C>A]ATCCTGCAGAAGAATGTAGTTAGGGAAAACTCTTCCATTTGGCAGGGAAACAGAGGAAAA-3'
Protein context (NP_000387.1, residues 1-11): [Met1Ile]WGLKVLLLPV

ClinVar aggregate classification (germline): Likely pathogenic. Review status: criteria provided, single submitter (1 of 4 stars). 2 submissions from 2 submitters: Likely pathogenic (1). 1 of the submissions does not count toward it. Last evaluated 2025-03-03.

Conditions:
Pyknodysostosis. Also called: Pycnodysostosis. Identifiers: Orphanet 763, MedGen C0238402, MONDO:0009940, OMIM 265800.

Submissions (2):

Women's Health and Genetics/Laboratory Corporation of America, LabCorp
Classification: Likely pathogenic for Pyknodysostosis. Last evaluated: 2025-03-03. Review status: criteria provided, single submitter. Criteria: LabCorp Variant Classification Summary - May 2015. Collection method: clinical testing. Allele origin: germline.
Comment: Variant summary: CTSK c.3G>T (p.Met1Ile) alters the initiation codon and is predicted to result either in absence of the protein or truncation of the encoded protein due to translation initiation at a downstream codon. An alternative downstream in-frame start codon (Met75) is located in the encoded protein. An activation of potential downstream translation initiation site would result in a shortened protein missing the first 74 amino acids from the protein sequence. At least one pathogenic missense variant has been reported upstream of this alternate codon supporting the critical relevance of this region to CTSK function. Three of four in-silico tools predict a benign effect of the variant on protein function. The variant was absent in 251234 control chromosomes. To our knowledge, no occurrence of c.3G>T in individuals affected with Pyknodysostosis and no experimental evidence demonstrating its impact on protein function have been reported. ClinVar contains an entry for this variant (Variation ID: 371240). Based on the evidence outlined above, the variant was classified as likely pathogenic.

Counsyl
Classification: Likely pathogenic for Pyknodysostosis. Last evaluated: 2016-08-04. Review status: no assertion criteria provided. Collection method: clinical testing. Allele origin: unknown. Not counted in ClinVar's aggregate classification.